The following is an entry in ClinVar:

ClinVar aggregate classification (germline): Uncertain significance (1 of 4 stars; one submission).

Submission:

Women's Health and Genetics/Laboratory Corporation of America, LabCorp
Classification: Uncertain significance. Last evaluated: 2025-11-26. Review status: criteria provided, single submitter. Criteria: LabCorp Variant Classification Summary - May 2015. Collection method: clinical testing. Allele origin: germline.
Comment: Variant summary: GP1BA c.1272_1310del39 (p.Ser441_Thr453del) results in an in-frame deletion that is predicted to remove 13 amino acids from the encoded protein. The variant allele was found at a frequency of 8.4e-06 in 238848 control chromosomes. The available data on variant occurrences in the general population are insufficient to allow any conclusion about variant significance. To our knowledge, no occurrence of c.1272_1310del39 in individuals affected with GP1BA-related conditions and no experimental evidence demonstrating its impact on protein function have been reported. No submitters have cited clinical-significance assessments for this variant to ClinVar. Based on the evidence outlined above, the variant was classified as uncertain significance.

NM_000173.7(GP1BA):c.1272_1310del (p.415SEPAPSPTTPEPT[2])

Gene: GP1BA (glycoprotein Ib platelet subunit alpha; plus strand). Cytogenetic location: 17p13.2.
Variant type: Deletion.
Coding change: c.1272_1310del on transcript NM_000173.7 (MANE Select); coding-DNA positions 1272 to 1310, 39 bases deleted.
Protein change: p.415SEPAPSPTTPEPT[2].
Genome position (GRCh38, 1-based): chr17:4,933,876-4,933,914, 39 bases deleted; deleting any 39 consecutive bases within chr17:4,933,838-4,933,914 gives the same sequence; the c. name uses the placement nearest the transcript's 3' end. GRCh37 (hg19): chr17:4,837,171-4,837,209.
Other names: c.1272_1310del39 (NM_000173.7).
Identifiers: ClinVar variation 4537148 (VCV004537148.1).
Genomic context (GRCh38, chr17:4,933,837, plus strand): 5'-CGTCCCGGAGCCCGCCCCAAACATGACCACCCTGGAGCCCACTCCAAGCCCGACCACCCC[AGAGCCCACCTCAGAGCCCGCCCCCAGCCCGACCACCCCG>A]GAGCCCACCTCAGAGCCCGCCCCCAGCCCGACCACCCCAGAGCCCACCTCAGAGCCCGCC-3'